The following is an entry in ClinVar:

NM_006059.4(LAMC3):c.3490A>G (p.Arg1164Gly)

Gene: LAMC3 (laminin subunit gamma 3; plus strand). Cytogenetic location: 9q34.12.
Variant type: single nucleotide variant.
Coding change: c.3490A>G on transcript NM_006059.4 (MANE Select); coding-DNA position 3490, A replaced by G.
Protein change: p.Arg1164Gly; replaces arginine 1164 with glycine.
Molecular consequence: missense variant.
Genome position (GRCh38, 1-based): chr9:131,073,317, A>G. VCF-style: chr9-131073317-A-G. GRCh37 (hg19) VCF-style: chr9-133948704-A-G.
Other names: c.3490A>G (NM_006059.3); short protein forms R1164G.
Identifiers: ClinVar variation 1443125 (VCV001443125.8), dbSNP rs750966093, ClinGen allele CA5287807.

ClinVar aggregate classification (germline): Uncertain significance. Review status: criteria provided, multiple submitters, no conflicts (2 of 4 stars). 2 submissions from 2 submitters: Uncertain significance (2). Last evaluated 2025-11-17.

Allele frequency attached by ClinVar (database versions not stated): gnomAD exomes 0.00001; gnomAD 0.00005 and 0.00006; TOPMed 0.00006.
gnomAD v4.1: 14 of 1,613,094 alleles (0.00087%); highest among the groups gnomAD compares: African/African-American, 0.017%; no homozygotes.

Submissions (2):

Labcorp Genetics (formerly Invitae), Labcorp
Classification: Uncertain significance. Last evaluated: 2025-11-17. Review status: criteria provided, single submitter. Criteria: Invitae Variant Classification Sherloc (09022015). Collection method: clinical testing. Allele origin: germline.
Comment: This sequence change replaces arginine, which is basic and polar, with glycine, which is neutral and non-polar, at codon 1164 of the LAMC3 protein (p.Arg1164Gly). This variant is present in population databases (rs750966093, gnomAD 0.02%). This variant has not been reported in the literature in individuals affected with LAMC3-related conditions. ClinVar contains an entry for this variant (Variation ID: 1443125). An algorithm developed to predict the effect of missense changes on protein structure and function outputs the following: PolyPhen-2: "Benign". The glycine amino acid residue is found in multiple mammalian species, which suggests that this missense change does not adversely affect protein function. In summary, the available evidence is currently insufficient to determine the role of this variant in disease. Therefore, it has been classified as a Variant of Uncertain Significance.

GeneDx
Classification: Uncertain significance. Last evaluated: 2023-12-16. Review status: criteria provided, single submitter. Criteria: GeneDx Variant Classification Process June 2021. Collection method: clinical testing. Allele origin: germline. Affected: yes.
Comment: In silico analysis supports that this missense variant does not alter protein structure/function; Has not been previously published as pathogenic or benign to our knowledge